The following is an entry in ClinVar:

NM_020821.3(VPS13C):c.3315C>T (p.Ala1105=)

Gene: VPS13C (vacuolar protein sorting 13 homolog C; minus strand). Cytogenetic location: 15q22.2.
Variant type: single nucleotide variant.
Coding change: c.3315C>T on transcript NM_020821.3 (MANE Select); coding-DNA position 3315, C replaced by T.
Protein change: p.Ala1105=; no amino-acid change (alanine 1105 retained).
Molecular consequence: synonymous variant.
Genome position (GRCh38, 1-based): chr15:61,963,851, G>A on the plus strand (C>T on the coding strand, the complement: VPS13C is on the minus strand). VCF-style: chr15-61963851-G-A. GRCh37 (hg19) VCF-style: chr15-62256050-G-A.
Other names: p.Ala1105=; c.3315C>T, p.Ala1105= (NM_001018088.3); c.3186C>T, p.Ala1062= (NM_017684.5, NM_018080.4).
Identifiers: ClinVar variation 4683997 (VCV004683997.1).

ClinVar aggregate classification (germline): Likely benign (1 of 4 stars; one submission).

gnomAD v4.1: 78 of 1,606,788 alleles (0.0049%); highest among the groups gnomAD compares: African/African-American, 0.067%; no homozygotes.

Submission:

Mayo Clinic Laboratories, Mayo Clinic
Classification: Likely benign. Last evaluated: 2024-11-20. Review status: criteria provided, single submitter. Criteria: ACMG Guidelines, 2015. Collection method: clinical testing. Allele origin: germline. Observed: 1 variant allele.
Comment: BP4, BP7